The following is an entry in ClinVar:

ClinVar aggregate classification (germline): Likely benign (1 of 4 stars; one submission).

Conditions:
WDR83OS-related condition.

gnomAD v4.1: 3,346 of 1,591,676 alleles (0.21%); highest among the groups gnomAD compares: Non-Finnish European, 0.26%; 10 homozygotes.

Submission:

PreventionGenetics, part of Exact Sciences
Classification: Likely benign for WDR83OS-related condition. Last evaluated: 2025-12-04. Review status: criteria provided, single submitter. Criteria: ACMG Guidelines, 2015. Collection method: clinical testing. Allele origin: germline.
Comment: This variant is classified as likely benign based on ACMG/AMP sequence variant interpretation guidelines (Richards et al. 2015 PMID: 25741868, with internal and published modifications).

NM_016145.4(WDR83OS):c.-9C>T

Genes: WDR83 (WD repeat domain 83; plus strand), WDR83OS (WD repeat domain 83 opposite strand; minus strand). Cytogenetic location: 19p13.13.
Variant type: single nucleotide variant.
Coding change: c.-9C>T on transcript NM_016145.4 (MANE Select); 9 bases upstream of the start codon, C replaced by T.
Molecular consequence: 5 prime UTR variant. On other transcripts: intron variant (1).
Genome position (GRCh38, 1-based): chr19:12,669,412, G>A on the plus strand (C>T on the coding strand, the complement: WDR83OS is on the minus strand). VCF-style: chr19-12669412-G-A. GRCh37 (hg19) VCF-style: chr19-12780226-G-A.
Other names: c.-36-343G>A (NM_001099737.3).
Identifiers: ClinVar variation 4981060 (VCV004981060.1).